The following is an entry in ClinVar:

ClinVar aggregate classification (germline): Uncertain significance. Review status: criteria provided, multiple submitters, no conflicts (2 of 4 stars). 2 submissions from 2 submitters: Uncertain significance (2). Last evaluated 2025-10-21.

gnomAD v4.1: 10 of 1,602,542 alleles (0.00062%); highest among the groups gnomAD compares: Middle Eastern, 0.016%; no homozygotes.

Submissions (2):

Labcorp Genetics (formerly Invitae), Labcorp
Classification: Uncertain significance. Last evaluated: 2025-10-21. Review status: criteria provided, single submitter. Criteria: Invitae Variant Classification Sherloc (09022015). Collection method: clinical testing. Allele origin: germline.
Comment: This sequence change replaces arginine, which is basic and polar, with cysteine, which is neutral and slightly polar, at codon 429 of the POLE2 protein (p.Arg429Cys). The frequency data for this variant in the population databases is considered unreliable, as metrics indicate poor data quality at this position in the gnomAD database. This variant has not been reported in the literature in individuals affected with POLE2-related conditions. ClinVar contains an entry for this variant (Variation ID: 3422249). An algorithm developed to predict the effect of missense changes on protein structure and function (PolyPhen-2) suggests that this variant is likely to be disruptive. In summary, the available evidence is currently insufficient to determine the role of this variant in disease. Therefore, it has been classified as a Variant of Uncertain Significance.

Ambry Genetics
Classification: Uncertain significance. Last evaluated: 2024-12-06. Review status: criteria provided, single submitter. Criteria: Ambry Variant Classification Scheme 2023. Collection method: clinical testing. Allele origin: germline.

NM_002692.4(POLE2):c.1285C>T (p.Arg429Cys)

Gene: POLE2 (DNA polymerase epsilon 2, accessory subunit; minus strand). Cytogenetic location: 14q21.3.
Variant type: single nucleotide variant.
Coding change: c.1285C>T on transcript NM_002692.4 (MANE Select); coding-DNA position 1285, C replaced by T.
Protein change: p.Arg429Cys; replaces arginine 429 with cysteine.
Molecular consequence: missense variant.
Genome position (GRCh38, 1-based): chr14:49,651,304, G>A on the plus strand (C>T on the coding strand, the complement: POLE2 is on the minus strand). VCF-style: chr14-49651304-G-A. GRCh37 (hg19) VCF-style: chr14-50118022-G-A.
Other names: c.1207C>T, p.Arg403Cys (NM_001197330.2); c.1285C>T, p.Arg429Cys (NM_001197331.3); c.1282C>T, p.Arg428Cys (NM_001348384.2); c.1054C>T, p.Arg352Cys (NM_001348385.2); short protein forms R429C, R352C, R428C, R403C.
Identifiers: ClinVar variation 3422249 (VCV003422249.2).